The following is an entry in ClinVar:

ClinVar aggregate classification (germline): Uncertain significance. Review status: criteria provided, multiple submitters, no conflicts (2 of 4 stars). 4 submissions from 4 submitters: Uncertain significance (4). Last evaluated 2025-06-29.

Conditions:
Arrhythmogenic right ventricular dysplasia 8 (ARVD8). Also called: Arrhythmogenic Right Ventricular Dysplasia/Cardiomyopathy 8; ARRHYTHMOGENIC RIGHT VENTRICULAR DYSPLASIA, FAMILIAL, 8; ARRHYTHMOGENIC RIGHT VENTRICULAR CARDIOMYOPATHY 8. Identifiers: MedGen C1843896, MONDO:0011831, OMIM 607450.
Arrhythmogenic cardiomyopathy with wooly hair and keratoderma. Also called: PALMOPLANTAR KERATODERMA WITH LEFT VENTRICULAR CARDIOMYOPATHY AND WOOLLY HAIR; Carvajal syndrome; Dilated cardiomyopathy with woolly hair and keratoderma; Arrhythmogenic cardiomyopathy with woolly hair and keratoderma. Identifiers: Orphanet 65282, MedGen C1854063, MONDO:0011581, OMIM 605676.
Cardiomyopathy (CMYO). Also called: Cardiomyopathies. Identifiers: Orphanet 167848, MedGen C0878544, MONDO:0004994, HP:0001638. Inheritance: Various modes of inheritance.
Cardiovascular phenotype. Identifiers: MedGen CN230736.

Allele frequency attached by ClinVar (database versions not stated): ExAC 0.00001; gnomAD 0.00001; gnomAD exomes 0.00001; TOPMed 0.00001; ESP Exome Variant Server 0.00008.
gnomAD v4.1: 15 of 1,613,876 alleles (0.00093%); highest among the groups gnomAD compares: Non-Finnish European, 0.0011%; no homozygotes.

Submissions (4):

Labcorp Genetics (formerly Invitae), Labcorp
Classification: Uncertain significance for Arrhythmogenic cardiomyopathy with wooly hair and keratoderma; Arrhythmogenic right ventricular dysplasia 8. Last evaluated: 2025-06-29. Review status: criteria provided, single submitter. Criteria: Invitae Variant Classification Sherloc (09022015). Collection method: clinical testing. Allele origin: germline.
Comment: This sequence change replaces glutamine, which is neutral and polar, with glutamic acid, which is acidic and polar, at codon 2454 of the DSP protein (p.Gln2454Glu). This variant is present in population databases (rs373890201, gnomAD 0.0009%). This variant has not been reported in the literature in individuals affected with DSP-related conditions. ClinVar contains an entry for this variant (Variation ID: 925149). An algorithm developed to predict the effect of missense changes on protein structure and function (PolyPhen-2) suggests that this variant is likely to be tolerated. In summary, the available evidence is currently insufficient to determine the role of this variant in disease. Therefore, it has been classified as a Variant of Uncertain Significance.

Ambry Genetics
Classification: Uncertain significance for Cardiovascular phenotype. Last evaluated: 2025-05-27. Review status: criteria provided, single submitter. Criteria: Ambry Variant Classification Scheme 2023. Collection method: clinical testing. Allele origin: germline.
Comment: The p.Q2454E variant (also known as c.7360C>G), located in coding exon 24 of the DSP gene, results from a C to G substitution at nucleotide position 7360. The glutamine at codon 2454 is replaced by glutamic acid, an amino acid with highly similar properties. This amino acid position is conserved. In addition, this alteration is predicted to be tolerated by in silico analysis. Based on the available evidence, the clinical significance of this variant remains unclear.

Color Diagnostics, LLC DBA Color Health
Classification: Uncertain significance for Cardiomyopathy. Last evaluated: 2024-03-07. Review status: criteria provided, single submitter. Criteria: ACMG Guidelines, 2015. Collection method: clinical testing. Allele origin: germline.
Comment: This missense variant replaces glutamine with glutamic acid at codon 2454 of the DSP protein. Computational prediction suggests that this variant may not impact protein structure and function (internally defined REVEL score threshold <= 0.5, PMID: 27666373). To our knowledge, functional studies have not been reported for this variant. This variant has not been reported in individuals affected with cardiovascular disorders in the literature. This variant has been identified in 1/245922 chromosomes in the general population by the Genome Aggregation Database (gnomAD). The available evidence is insufficient to determine the role of this variant in disease conclusively. Therefore, this variant is classified as a Variant of Uncertain Significance.

CHEO Genetics Diagnostic Laboratory, Children's Hospital of Eastern Ontario
Classification: Uncertain significance for Cardiomyopathy. Last evaluated: 2020-09-11. Review status: criteria provided, single submitter. Criteria: ACMG Guidelines, 2015. Collection method: clinical testing. Allele origin: germline.

NM_004415.4(DSP):c.7360C>G (p.Gln2454Glu)

Gene: DSP (desmoplakin; plus strand). Cytogenetic location: 6p24.3.
Variant type: single nucleotide variant.
Coding change: c.7360C>G on transcript NM_004415.4 (MANE Select); coding-DNA position 7360, C replaced by G.
Protein change: p.Gln2454Glu; replaces glutamine 2454 with glutamic acid.
Molecular consequence: missense variant.
Genome position (GRCh38, 1-based): chr6:7,584,622, C>G. VCF-style: chr6-7584622-C-G. GRCh37 (hg19) VCF-style: chr6-7584855-C-G.
Other names: c.5563C>G, p.Gln1855Glu (NM_001008844.3); c.6031C>G, p.Gln2011Glu (NM_001319034.2); short protein forms Q2011E, Q2454E, Q1855E.
Identifiers: ClinVar variation 925149 (VCV000925149.14), dbSNP rs373890201, ClinGen allele CA049725.